The following is an entry in ClinVar:

ClinVar aggregate classification (germline): Uncertain significance (1 of 4 stars; one submission).

Conditions:
Hereditary cancer-predisposing syndrome. Also called: Neoplastic Syndromes, Hereditary; Tumor predisposition; Hereditary neoplastic syndrome; Hereditary Cancer Syndrome. Identifiers: Orphanet 140162, MedGen C0027672, MeSH D009386, MONDO:0015356.
Cardiovascular phenotype. Identifiers: MedGen CN230736.

Allele frequency attached by ClinVar (database versions not stated): TOPMed below 0.00001; gnomAD 0.00001.
gnomAD v4.1: 2 of 1,613,306 alleles (0.00012%); highest among the groups gnomAD compares: Non-Finnish European, 0.00017%; no homozygotes.

Submission:

Ambry Genetics
Classification: Uncertain significance for Cardiovascular phenotype; Hereditary cancer-predisposing syndrome. Last evaluated: 2023-04-25. Review status: criteria provided, single submitter. Criteria: Ambry Variant Classification Scheme 2023. Collection method: clinical testing. Allele origin: germline.
Comment: The p.K604N variant (also known as c.1812G>C), located in coding exon 16 of the LZTR1 gene, results from a G to C substitution at nucleotide position 1812. The lysine at codon 604 is replaced by asparagine, an amino acid with similar properties. This amino acid position is conserved. In addition, this alteration is predicted to be tolerated by in silico analysis. Since supporting evidence is limited at this time, the clinical significance of this alteration remains unclear.

NM_006767.4(LZTR1):c.1812G>C (p.Lys604Asn)

Gene: LZTR1 (leucine zipper like post translational regulator 1; plus strand). Cytogenetic location: 22q11.21.
Variant type: single nucleotide variant.
Coding change: c.1812G>C on transcript NM_006767.4 (MANE Select); coding-DNA position 1812, G replaced by C.
Protein change: p.Lys604Asn; replaces lysine 604 with asparagine.
Molecular consequence: missense variant.
Genome position (GRCh38, 1-based): chr22:20,994,896, G>C. VCF-style: chr22-20994896-G-C. GRCh37 (hg19) VCF-style: chr22-21349185-G-C.
Other names: short protein forms K604N.
Identifiers: ClinVar variation 3238139 (VCV003238139.1), dbSNP rs1215420572.